The following is an entry in ClinVar:

NM_014846.4(WASHC5):c.732G>A (p.Pro244=)

Gene: WASHC5 (WASH complex subunit 5; minus strand). Cytogenetic location: 8q24.13.
Variant type: single nucleotide variant.
Coding change: c.732G>A on transcript NM_014846.4 (MANE Select); coding-DNA position 732, G replaced by A.
Protein change: p.Pro244=; no amino-acid change (proline 244 retained).
Molecular consequence: synonymous variant.
Genome position (GRCh38, 1-based): chr8:125,076,480, C>T on the plus strand (G>A on the coding strand, the complement: WASHC5 is on the minus strand). VCF-style: chr8-125076480-C-T. GRCh37 (hg19) VCF-style: chr8-126088722-C-T.
Other names: p.Pro244=; c.288G>A, p.Pro96= (NM_001330609.2).
Identifiers: ClinVar variation 361729 (VCV000361729.27), dbSNP rs146320386, ClinGen allele CA4874020.

ClinVar aggregate classification (germline): Benign/Likely benign. Review status: criteria provided, multiple submitters, no conflicts (2 of 4 stars). 8 submissions from 8 submitters: Benign (4); Likely benign (3). 1 of the submissions does not count toward it. Last evaluated 2025-10-02.

Conditions:
Hereditary spastic paraplegia 8 (SPG8). Also called: SPASTIC PARAPLEGIA 8, AUTOSOMAL DOMINANT. Identifiers: Orphanet 100989, MedGen C1863704, MONDO:0011339, OMIM 603563.
Ritscher-Schinzel syndrome. Also called: CRANIOCEREBELLOCARDIAC DYSPLASIA. Identifiers: Orphanet 7, MedGen C0796137, MONDO:0019078.
Hereditary spastic paraplegia. Also called: Familial spastic paraparesis. Identifiers: Orphanet 685, MedGen C0037773, MONDO:0019064. Disease mechanism: loss of function.
WASHC5-related disorder. Also called: WASHC5-related condition.

Allele frequency attached by ClinVar (database versions not stated): gnomAD 0.00079 and 0.00078; ExAC 0.00120; TOPMed 0.00037; ESP Exome Variant Server 0.00038; 1000 Genomes Project 0.00060; 1000 Genomes Project 30x 0.00062.
gnomAD v4.1: 1,561 of 1,613,904 alleles (0.097%); highest among the groups gnomAD compares: Non-Finnish European, 0.086%; 2 homozygotes.

Submissions (8):

Labcorp Genetics (formerly Invitae), Labcorp
Classification: Benign for Ritscher-Schinzel syndrome; Hereditary spastic paraplegia 8. Last evaluated: 2025-10-02. Review status: criteria provided, single submitter. Criteria: Invitae Variant Classification Sherloc (09022015). Collection method: clinical testing. Allele origin: germline.

Mayo Clinic Laboratories, Mayo Clinic
Classification: Benign. Last evaluated: 2024-10-31. Review status: criteria provided, single submitter. Criteria: ACMG Guidelines, 2015. Collection method: clinical testing. Allele origin: germline. Observed: 3 variant alleles.
Comment: BA1, BP4, BP7

Blueprint Genetics
Classification: Likely benign. Last evaluated: 2024-07-11. Review status: criteria provided, single submitter. Criteria: ACMG Guidelines, 2015. Collection method: clinical testing. Allele origin: germline.

Athena Diagnostics
Classification: Benign. Last evaluated: 2023-12-29. Review status: criteria provided, single submitter. Criteria: Athena Diagnostics Criteria. Collection method: clinical testing. Allele origin: unknown.

Genome Diagnostics Laboratory, The Hospital for Sick Children
Classification: Likely benign for Hereditary spastic paraplegia. Last evaluated: 2018-11-01. Review status: criteria provided, single submitter. Criteria: ACMG Guidelines, 2015. Collection method: clinical testing. Allele origin: germline. Affected: yes.

GeneDx
Classification: Likely benign. Last evaluated: 2018-04-19. Review status: criteria provided, single submitter. Criteria: GeneDx Variant Classification Process June 2021. Collection method: clinical testing. Allele origin: germline. Affected: yes.

Illumina Laboratory Services, Illumina
Classification: Benign for Hereditary spastic paraplegia 8. Last evaluated: 2018-01-12. Review status: criteria provided, single submitter. Criteria: ICSL Variant Classification Criteria 13 December 2019. Collection method: clinical testing. Allele origin: germline.
Comment: This variant was observed in the ICSL laboratory as part of a predisposition screen in an ostensibly healthy population. It had not been previously curated by ICSL or reported in the Human Gene Mutation Database (HGMD: prior to June 1st, 2018), and was therefore a candidate for classification through an automated scoring system. Utilizing variant allele frequency, disease prevalence and penetrance estimates, and inheritance mode, an automated score was calculated to assess if this variant is too frequent to cause the disease. Based on the score and internal cut-off values, a variant classified as benign is not then subjected to further curation. The score for this variant resulted in a classification of benign for this disease.

PreventionGenetics, part of Exact Sciences
Classification: Likely benign for WASHC5-related condition. Last evaluated: 2022-03-17. Review status: no assertion criteria provided. Collection method: clinical testing. Allele origin: germline. Not counted in ClinVar's aggregate classification.
Comment: This variant is classified as likely benign based on ACMG/AMP sequence variant interpretation guidelines (Richards et al. 2015 PMID: 25741868, with internal and published modifications).